The following is an entry in ClinVar:

NM_001851.6(COL9A1):c.2113-191T>C

Gene: COL9A1 (collagen type IX alpha 1 chain; minus strand). Cytogenetic location: 6q13.
Variant type: single nucleotide variant.
Coding change: c.2113-191T>C on transcript NM_001851.6 (MANE Select); 191 bases into the intron before coding-DNA position 2113, T replaced by C.
Molecular consequence: intron variant.
Genome position (GRCh38, 1-based): chr6:70,235,131, A>G on the plus strand (T>C on the coding strand, the complement: COL9A1 is on the minus strand). VCF-style: chr6-70235131-A-G. GRCh37 (hg19) VCF-style: chr6-70944834-A-G.
Other names: c.1384-538T>C (NM_001377290.1); c.1384-191T>C (NM_078485.4); c.1414-191T>C (NM_001377289.1).
Identifiers: ClinVar variation 680188 (VCV000680188.2), dbSNP rs74780299, ClinGen allele CA140849109.
Genomic context (GRCh38, chr6:70,235,131, plus strand): 5'-GTTACAAAACCTTCACTGCAAGGTGAAGACACATAATGCTACACAACTTACCCATCTTTT[A>G]GAAATCTAGTTCAAGTTAACTTTCAATATATCTTTCTTTTGGCTGGGTGTGGTGGCTTAC-3'

ClinVar aggregate classification (germline): Likely benign. Review status: criteria provided, multiple submitters, no conflicts (2 of 4 stars). 2 submissions from 2 submitters: Likely benign (2). Last evaluated 2018-06-14.

Allele frequency attached by ClinVar (database versions not stated): gnomAD 0.00829 and 0.00890; TOPMed 0.00935; 1000 Genomes Project 30x 0.01093; 1000 Genomes Project 0.01118.

Submissions (2):

GeneDx
Classification: Likely benign. Last evaluated: 2018-06-14. Review status: criteria provided, single submitter. Criteria: GeneDx Variant Classification (06012015). Collection method: clinical testing. Allele origin: germline. Affected: yes.
Comment: This variant is considered likely benign or benign based on one or more of the following criteria: it is a conservative change, it occurs at a poorly conserved position in the protein, it is predicted to be benign by multiple in silico algorithms, and/or has population frequency not consistent with disease.

Breakthrough Genomics
Classification: Likely benign. Review status: criteria provided, single submitter. Criteria: ACMG Guidelines, 2015. Collection method: not provided. Allele origin: germline. Inheritance: Autosomal dominant inheritance. Affected: yes.